The following is an entry in ClinVar:

NM_002439.5(MSH3):c.2767C>A (p.Pro923Thr)

Gene: MSH3 (mutS homolog 3; plus strand). Cytogenetic location: 5q14.1.
Variant type: single nucleotide variant.
Coding change: c.2767C>A on transcript NM_002439.5 (MANE Select); coding-DNA position 2767, C replaced by A.
Protein change: p.Pro923Thr; replaces proline 923 with threonine.
Molecular consequence: missense variant.
Genome position (GRCh38, 1-based): chr5:80,813,695, C>A. VCF-style: chr5-80813695-C-A. GRCh37 (hg19) VCF-style: chr5-80109514-C-A.
Other names: short protein forms P923T.
Identifiers: ClinVar variation 5024827 (VCV005024827.1).

ClinVar aggregate classification (germline): Uncertain significance (1 of 4 stars; one submission).

Conditions:
Hereditary cancer-predisposing syndrome. Also called: Neoplastic Syndromes, Hereditary; Tumor predisposition; Hereditary neoplastic syndrome; Hereditary Cancer Syndrome. Identifiers: Orphanet 140162, MedGen C0027672, MeSH D009386, MONDO:0015356.

Submission:

Ambry Genetics
Classification: Uncertain significance for Hereditary cancer-predisposing syndrome. Last evaluated: 2026-08-18. Review status: criteria provided, single submitter. Criteria: Ambry Variant Classification Scheme 2023. Collection method: clinical testing. Allele origin: germline.
Comment: The p.P923T variant (also known as c.2767C>A), located in coding exon 20 of the MSH3 gene, results from a C to A substitution at nucleotide position 2767. The proline at codon 923 is replaced by threonine, an amino acid with highly similar properties. This amino acid position is conserved. In addition, this alteration is predicted to be deleterious by in silico analysis. Based on the available evidence, the clinical significance of this variant remains unclear.